The following is an entry in ClinVar:

NM_000051.4(ATM):c.1062C>G (p.His354Gln)

Gene: ATM (ATM serine/threonine kinase; plus strand). Cytogenetic location: 11q22.3.
Variant type: single nucleotide variant.
Coding change: c.1062C>G on transcript NM_000051.4 (MANE Select); coding-DNA position 1062, C replaced by G.
Protein change: p.His354Gln; replaces histidine 354 with glutamine.
Molecular consequence: missense variant.
Genome position (GRCh38, 1-based): chr11:108,247,124, C>G. VCF-style: chr11-108247124-C-G. GRCh37 (hg19) VCF-style: chr11-108117851-C-G.
Other names: c.1062C>G, p.His354Gln (NM_001351834.2); short protein forms H354Q.
Identifiers: ClinVar variation 4747169 (VCV004747169.1).

ClinVar aggregate classification (germline): Uncertain significance (1 of 4 stars; one submission).

Conditions:
Ataxia-telangiectasia syndrome (AT). Also called: Ataxia-telangiectasia, complementation group D; AT, COMPLEMENTATION GROUP C; Ataxia-telangiectasia; Ataxia telangiectasia (A-T); LOUIS-BAR SYNDROME; Cerebello-oculocutaneous telangiectasia. Identifiers: Orphanet 100, MedGen C0004135, MONDO:0008840, OMIM 208900.

Submission:

Labcorp Genetics (formerly Invitae), Labcorp
Classification: Uncertain significance for Ataxia-telangiectasia syndrome. Last evaluated: 2025-11-11. Review status: criteria provided, single submitter. Criteria: Invitae Variant Classification Sherloc (09022015). Collection method: clinical testing. Allele origin: germline.
Comment: This sequence change replaces histidine, which is basic and polar, with glutamine, which is neutral and polar, at codon 354 of the ATM protein (p.His354Gln). This variant is not present in population databases (gnomAD no frequency). This variant has not been reported in the literature in individuals affected with ATM-related conditions. Invitae Evidence Modeling of protein sequence and biophysical properties (such as structural, functional, and spatial information, amino acid conservation, physicochemical variation, residue mobility, and thermodynamic stability) indicates that this missense variant is not expected to disrupt ATM protein function with a negative predictive value of 95%. In summary, the available evidence is currently insufficient to determine the role of this variant in disease. Therefore, it has been classified as a Variant of Uncertain Significance.